The following is an entry in ClinVar:

ClinVar aggregate classification (germline): Uncertain significance (1 of 4 stars; one submission).

Conditions:
Inborn genetic diseases. Identifiers: MedGen C0950123, MeSH D030342.

Submission:

Ambry Genetics
Classification: Uncertain significance for Inborn genetic diseases. Last evaluated: 2026-03-14. Review status: criteria provided, single submitter. Criteria: Ambry Variant Classification Scheme 2023. Collection method: clinical testing. Allele origin: germline.
Comment: The p.P345T variant (also known as c.1033C>A), located in coding exon 8 of the RUNX1 gene, results from a C to A substitution at nucleotide position 1033. The proline at codon 345 is replaced by threonine, an amino acid with highly similar properties. This amino acid position is conserved. In addition, the in silico prediction for this alteration is inconclusive. Based on the available evidence, the clinical significance of this variant remains unclear.

NM_001754.5(RUNX1):c.1033C>A (p.Pro345Thr)

Gene: RUNX1 (RUNX family transcription factor 1; minus strand). Cytogenetic location: 21q22.12.
Variant type: single nucleotide variant.
Coding change: c.1033C>A on transcript NM_001754.5 (MANE Select); coding-DNA position 1033, C replaced by A.
Protein change: p.Pro345Thr; replaces proline 345 with threonine.
Molecular consequence: missense variant.
Genome position (GRCh38, 1-based): chr21:34,792,545, G>T on the plus strand (C>A on the coding strand, the complement: RUNX1 is on the minus strand). VCF-style: chr21-34792545-G-T. GRCh37 (hg19) VCF-style: chr21-36164842-G-T.
Other names: c.952C>A, p.Pro318Thr (NM_001001890.3); short protein forms P345T, P318T.
Identifiers: ClinVar variation 4827469 (VCV004827469.1).